The following is an entry in ClinVar:

NM_005431.2(XRCC2):c.158G>C (p.Gly53Ala)

Gene: XRCC2 (X-ray repair cross complementing 2; minus strand). Cytogenetic location: 7q36.1.
Variant type: single nucleotide variant.
Coding change: c.158G>C on transcript NM_005431.2 (MANE Select); coding-DNA position 158, G replaced by C.
Protein change: p.Gly53Ala; replaces glycine 53 with alanine.
Molecular consequence: missense variant.
Genome position (GRCh38, 1-based): chr7:152,649,327, C>G on the plus strand (G>C on the coding strand, the complement: XRCC2 is on the minus strand). VCF-style: chr7-152649327-C-G. GRCh37 (hg19) VCF-style: chr7-152346412-C-G.
Other names: short protein forms G53A.
Identifiers: ClinVar variation 1775888 (VCV001775888.2), dbSNP rs1163807963, ClinGen allele CA16622036.
Genomic context (GRCh38, chr7:152,649,327, plus strand): 5'-CCACCTTCTGATTTGGGAAGTATACATCGTGCTGTTAGGTGATAAAGCATTTCTGTTTTT[C>G]CTGTTCCTTCTGGGCCATGAAATTCAAGAATATCACCTGTGTAAAATTTAAAAATCTCAG-3'
Protein context (NP_005422.1, residues 43-63): ILEFHGPEGT[Gly53Ala]KTEMLYHLTA

ClinVar aggregate classification (germline): Uncertain significance (1 of 4 stars; one submission).

Conditions:
Hereditary cancer-predisposing syndrome. Also called: Neoplastic Syndromes, Hereditary; Tumor predisposition; Hereditary Cancer Syndrome; Hereditary neoplastic syndrome. Identifiers: Orphanet 140162, MedGen C0027672, MeSH D009386, MONDO:0015356.

Allele frequency attached by ClinVar (database versions not stated): gnomAD exomes below 0.00001.
gnomAD v4.1: 6 of 1,608,224 alleles (0.00037%); highest among the groups gnomAD compares: South Asian, 0.0011%; no homozygotes.

Submission:

Ambry Genetics
Classification: Uncertain significance for Hereditary cancer-predisposing syndrome. Last evaluated: 2023-11-11. Review status: criteria provided, single submitter. Criteria: Ambry Variant Classification Scheme 2023. Collection method: clinical testing. Allele origin: germline.
Comment: The p.G53A variant (also known as c.158G>C), located in coding exon 3 of the XRCC2 gene, results from a G to C substitution at nucleotide position 158. The glycine at codon 53 is replaced by alanine, an amino acid with similar properties. This amino acid position is highly conserved in available vertebrate species. In addition, this alteration is predicted to be deleterious by in silico analysis. Since supporting evidence is limited at this time, the clinical significance of this alteration remains unclear.